The following is an entry in ClinVar:

NM_004646.4(NPHS1):c.1921_1922delinsT (p.Asn641fs)

Gene: NPHS1 (NPHS1 adhesion molecule, nephrin; minus strand). Cytogenetic location: 19q13.12.
Variant type: Indel.
Coding change: c.1921_1922delinsT on transcript NM_004646.4 (MANE Select); coding-DNA positions 1921 to 1922, AA replaced by T.
Protein change: p.Asn641fs; shifts the reading frame from asparagine 641.
Molecular consequence: frameshift variant.
Genome position (GRCh38, 1-based): chr19:35,845,376-35,845,377, TT replaced by A on the plus strand (AA replaced by T on the coding strand, the reverse complement: NPHS1 is on the minus strand). VCF-style: chr19-35845376-TT-A. GRCh37 (hg19) VCF-style: chr19-36336278-TT-A.
Other names: short protein forms N641fs.
Identifiers: ClinVar variation 1726319 (VCV001726319.2), dbSNP rs2513773091, ClinGen allele CA2580096839.

ClinVar aggregate classification (germline): Likely pathogenic (1 of 4 stars; one submission).

Conditions:
Finnish congenital nephrotic syndrome (NPHS1). Also called: NEPHROTIC SYNDROME, TYPE 1. Identifiers: Orphanet 839, MedGen C0403399, MONDO:0009732, OMIM 256300.

Submission:

Myriad Genetics, Inc.
Classification: Likely pathogenic for Finnish congenital nephrotic syndrome. Last evaluated: 2021-12-16. Review status: criteria provided, single submitter. Criteria: Myriad Women's Health Autosomal Recessive and X-Linked Classification Criteria (2021). Collection method: clinical testing. Allele origin: unknown.
Comment: NM_004646.3(NPHS1):c.1921_1922delAAinsT(N641Sfs*16) is expected to be pathogenic in the context of nephrotic syndrome, NPHS1-related. This variant is predicted to lead to an abnormal or absent protein product due to the creation of a premature termination codon in NPHS1, a gene where loss-of-function variants are known to be pathogenic. Please note: this variant was assessed in the context of healthy population screening.